The following is an entry in ClinVar:

NM_002485.5(NBN):c.-49C>T

Gene: NBN (nibrin; minus strand). Cytogenetic location: 8q21.3.
Variant type: single nucleotide variant.
Coding change: c.-49C>T on transcript NM_002485.5 (MANE Select); 49 bases upstream of the start codon, C replaced by T.
Molecular consequence: 5 prime UTR variant.
Genome position (GRCh38, 1-based): chr8:89,984,610, G>A on the plus strand (C>T on the coding strand, the complement: NBN is on the minus strand). VCF-style: chr8-89984610-G-A. GRCh37 (hg19) VCF-style: chr8-90996838-G-A.
Other names: c.-345C>T (NM_001024688.3).
Identifiers: ClinVar variation 379468 (VCV000379468.1), dbSNP rs919235957, ClinGen allele CA16606156.

ClinVar aggregate classification (germline): Likely benign (1 of 4 stars; one submission).

gnomAD v4.1: 13 of 1,607,068 alleles (0.00081%); highest among the groups gnomAD compares: East Asian, 0.0022%; no homozygotes.

Submission:

GeneDx
Classification: Likely benign. Last evaluated: 2016-08-15. Review status: criteria provided, single submitter. Criteria: GeneDx Variant Classification (06012015). Collection method: clinical testing. Allele origin: germline. Affected: yes.
Comment: This variant is considered likely benign or benign based on one or more of the following criteria: it is a conservative change, it occurs at a poorly conserved position in the protein, it is predicted to be benign by multiple in silico algorithms, and/or has population frequency not consistent with disease.